The following is an entry in ClinVar:

ClinVar aggregate classification (germline): Uncertain significance. Review status: criteria provided, multiple submitters, no conflicts (2 of 4 stars). 4 submissions from 3 submitters: Uncertain significance (4). Last evaluated 2025-06-05.

Conditions:
Seizures, benign familial infantile, 5 (BFIS5). Also called: CONVULSIONS, BENIGN FAMILIAL INFANTILE, 5. Identifiers: Orphanet 306, MedGen C4310728, MONDO:0014903, OMIM 617080.
Cognitive impairment with or without cerebellar ataxia (CIAT). Identifiers: MedGen C3280415, MONDO:0013680, OMIM 614306.
Developmental and epileptic encephalopathy, 13 (DEE13). Also called: SCN8A-Related Epilepsy; Developmental and Epileptic Encephalopathy (SCN8A-DEE); Early infantile epileptic encephalopathy 13. Identifiers: Orphanet 442835, MedGen C3281191, MONDO:0013801, OMIM 614558.
Early-infantile DEE. Also called: Early infantile epileptic encephalopathy; Early infantile epileptic encephalopathy with suppression bursts; Ohtahara syndrome. Identifiers: Orphanet 1934, MedGen C0393706, MONDO:0800491.
Myoclonus, familial, 2. Identifiers: MedGen C5193056, MONDO:0100092, OMIM 618364.
Inborn genetic diseases. Identifiers: MedGen C0950123, MeSH D030342.

Allele frequency attached by ClinVar (database versions not stated): gnomAD exomes 0.00001; TOPMed 0.00001; gnomAD 0.00001; ExAC 0.00002.

Submissions (4):

Labcorp Genetics (formerly Invitae), Labcorp
Classification: Uncertain significance for Early-infantile DEE. Last evaluated: 2025-06-05. Review status: criteria provided, single submitter. Criteria: Invitae Variant Classification Sherloc (09022015). Collection method: clinical testing. Allele origin: germline.
Comment: This sequence change replaces asparagine, which is neutral and polar, with serine, which is neutral and polar, at codon 24 of the SCN8A protein (p.Asn24Ser). This variant is present in population databases (rs769269501, gnomAD 0.0009%). This variant has not been reported in the literature in individuals affected with SCN8A-related conditions. ClinVar contains an entry for this variant (Variation ID: 626165). Invitae Evidence Modeling of protein sequence and biophysical properties (such as structural, functional, and spatial information, amino acid conservation, physicochemical variation, residue mobility, and thermodynamic stability) indicates that this missense variant is not expected to disrupt SCN8A protein function with a negative predictive value of 95%. In summary, the available evidence is currently insufficient to determine the role of this variant in disease. Therefore, it has been classified as a Variant of Uncertain Significance.

Ambry Genetics
Classification: Uncertain significance for Inborn genetic diseases. Last evaluated: 2019-01-31. Review status: criteria provided, single submitter. Criteria: Ambry Variant Classification Scheme 2023. Collection method: clinical testing. Allele origin: germline.
Comment: The p.N24S variant (also known as c.71A>G), located in coding exon 1 of the SCN8A gene, results from an A to G substitution at nucleotide position 71. The asparagine at codon 24 is replaced by serine, an amino acid with highly similar properties. This amino acid position is well conserved in available vertebrate species. In addition, this alteration is predicted to be tolerated by in silico analysis. Since supporting evidence is limited at this time, the clinical significance of this alteration remains unclear.

Center for Genomics, Ann and Robert H. Lurie Children's Hospital of Chicago
Classification: Uncertain significance for Cognitive impairment with or without cerebellar ataxia; Developmental and epileptic encephalopathy, 13; Seizures, benign familial infantile, 5. Last evaluated: 2018-05-24. Review status: criteria provided, single submitter. Criteria: ACMG Guidelines, 2015. Collection method: clinical testing. Allele origin: germline.
Comment: SCN8A NM_014191.3 exon2 p.Asn24Ser (c.71A>G): This variant has not been reported in the literature and is present in 1/111162 European alleles in the Genome Aggregation Database. Evolutionary conservation and computational predictive tools for this variant are unclear. In summary, data on this variant is insufficient for disease classification. Therefore, the clinical significance of this variant is uncertain.

Center for Genomics, Ann and Robert H. Lurie Children's Hospital of Chicago
Classification: Uncertain significance for Myoclonus, familial, 2; Seizures, benign familial infantile, 5; Cognitive impairment with or without cerebellar ataxia; Developmental and epileptic encephalopathy, 13. Review status: criteria provided, single submitter. Criteria: ACMG Guidelines, 2015. Collection method: clinical testing. Allele origin: germline.
Comment: the same text as in the submission from Center for Genomics, Ann and Robert H. Lurie Children's Hospital of Chicago above.

NM_001330260.2(SCN8A):c.71A>G (p.Asn24Ser)

Genes: SCN8A (sodium voltage-gated channel alpha subunit 8; plus strand), LOC114803470 (SCN8A eExon liver enhancer; plus strand). Cytogenetic location: 12q13.13.
Variant type: single nucleotide variant.
Coding change: c.71A>G on transcript NM_001330260.2 (MANE Select); coding-DNA position 71, A replaced by G.
Protein change: p.Asn24Ser; replaces asparagine 24 with serine.
Molecular consequence: missense variant.
Genome position (GRCh38, 1-based): chr12:51,662,888, A>G. VCF-style: chr12-51662888-A-G. GRCh37 (hg19) VCF-style: chr12-52056672-A-G.
Other names: c.71A>G, p.Asn24Ser (NM_001177984.3, NM_001369788.1, NM_014191.4); short protein forms N24S.
Identifiers: ClinVar variation 626165 (VCV000626165.8), dbSNP rs769269501, ClinGen allele CA6570989.